The following is an entry in ClinVar:

NM_000443.4(ABCB4):c.3839G>C (p.Ter1280Ser)

Gene: ABCB4 (ATP binding cassette subfamily B member 4; minus strand). Cytogenetic location: 7q21.12.
Variant type: single nucleotide variant.
Coding change: c.3839G>C on transcript NM_000443.4 (MANE Select); coding-DNA position 3839, G replaced by C.
Protein change: p.Ter1280Ser.
Molecular consequence: stop lost.
Genome position (GRCh38, 1-based): chr7:87,402,097, C>G on the plus strand (G>C on the coding strand, the complement: ABCB4 is on the minus strand). VCF-style: chr7-87402097-C-G. GRCh37 (hg19) VCF-style: chr7-87031413-C-G.
Other names: c.3860G>C, p.Ter1287Ser (NM_018849.3); c.3698G>C, p.Ter1233Ser (NM_018850.3).
Identifiers: ClinVar variation 3344294 (VCV003344294.1).
Genomic context (GRCh38, chr7:87,402,097, plus strand): 5'-AGTCAGATAAAATGGTAGAATAATTTGAATTTATTTTTAAAATATACTGTAGCAAAAGTT[C>G]ATAAGTTCTGTGTCCCAGCCTGGACACTGACCATTGAAAAATAGATGCCTTTCTGTGCCA-3'

ClinVar aggregate classification (germline): Uncertain significance (0 of 4 stars; one submission).

Conditions:
ABCB4-related disorder. Also called: ABCB4-related disorders; ABCB4-related condition.

gnomAD v4.1: 2 of 1,613,956 alleles (0.00012%); highest among the groups gnomAD compares: African/African-American, 0.0027%; no homozygotes.

Submission:

PreventionGenetics, part of Exact Sciences
Classification: Uncertain significance for ABCB4-related condition. Last evaluated: 2024-05-20. Review status: no assertion criteria provided. Collection method: clinical testing. Allele origin: germline.
Comment: The ABCB4 c.3839G>C variant is predicted to result in extension of the open reading frame (p.*1280Serext*19). To our knowledge, this variant has not been reported in the literature. This variant is reported in 0.0062% of alleles in individuals of African descent in gnomAD. Other nucleotide substitutions leading to a similar protein extension effect (p.*1280Argext*17) has been reported in multiple individuals with progressive familial intrahepatic cholestasis (Chinnaratha et al. 2013. PubMed ID: 23574360; Hakim et al. 2019. PubMed ID: 31000363; Table1, Bakır et al. 2021. PubMed ID: 34961929). Although we suspect this variant may be pathogenic, at this time, the clinical significance of the c.3839G>C (p.*1280Serext*19) variant is uncertain due to the absence of conclusive functional and genetic evidence.